The following is an entry in ClinVar:

ClinVar aggregate classification (germline): Uncertain significance (1 of 4 stars; one submission).

Conditions:
Hereditary breast ovarian cancer syndrome. Also called: Hereditary breast and ovarian cancer syndrome; Hereditary breast and/or ovarian cancer syndrome; Hereditary breast and ovarian cancer; Hereditary breast and ovarian cancer syndrome (HBOC); Breast and ovarian cancer; BRCA1- and BRCA2-Associated Hereditary Breast and Ovarian Cancer. Identifiers: Orphanet 145, MedGen C0677776, MeSH D061325, MONDO:0003582. Disease mechanism: loss of function.

Submission:

Labcorp Genetics (formerly Invitae), Labcorp
Classification: Uncertain significance for Hereditary breast ovarian cancer syndrome. Last evaluated: 2024-11-27. Review status: criteria provided, single submitter. Criteria: Invitae Variant Classification Sherloc (09022015). Collection method: clinical testing. Allele origin: germline.
Comment: This variant, c.4954_4956del, results in the deletion of 1 amino acid(s) of the BRCA1 protein (p.Met1652del), but otherwise preserves the integrity of the reading frame. This variant is not present in population databases (gnomAD no frequency). This variant has not been reported in the literature in individuals affected with BRCA1-related conditions. Experimental studies and prediction algorithms are not available or were not evaluated, and the functional significance of this variant is currently unknown. In summary, the available evidence is currently insufficient to determine the role of this variant in disease. Therefore, it has been classified as a Variant of Uncertain Significance.

NM_007294.4(BRCA1):c.4954_4956del (p.Met1652del)

Gene: BRCA1 (BRCA1 DNA repair associated; minus strand). Cytogenetic location: 17q21.31.
Variant type: Deletion.
Coding change: c.4954_4956del on transcript NM_007294.4 (MANE Select); coding-DNA positions 4954 to 4956, 3 bases deleted (ATG; older notation c.4954_4956delATG).
Protein change: p.Met1652del; deletes methionine 1652.
Molecular consequence: intron variant (on NM_001408514.1).
Genome position (GRCh38, 1-based): chr17:43,070,958-43,070,960, CAT deleted on the plus strand (ATG on the coding strand, the reverse complement: BRCA1 is on the minus strand). VCF-style (leftmost placement, unchanged base first): chr17-43070957-CCAT-C. GRCh37 (hg19) VCF-style: chr17-41222974-CCAT-C.
Other names: c.1504_1506del, p.Met502del (NM_001408452.1, NM_001408453.1, NM_001408454.1 and 3 more transcripts); c.4951_4953del, p.Met1651del (NM_001407859.1, NM_001407860.1, NM_001407610.1 and 17 more transcripts); c.4948_4950del, p.Met1650del (NM_001407861.1, NM_001407627.1, NM_001407628.1 and 14 more transcripts); c.4753_4755del, p.Met1585del (NM_001407862.1); c.1501_1503del, p.Met501del (NM_001408458.1, NM_001408459.1, NM_001408460.1 and 7 more transcripts); c.4828_4830del, p.Met1610del (NM_001407863.1, NM_001407939.1, NM_001407940.1 and 11 more transcripts); c.4747_4749del, p.Met1583del (NM_001407874.1, NM_001407875.1); c.4744_4746del, p.Met1582del (NM_001407884.1, NM_001407886.1, NM_001407881.1 and 5 more transcripts); and 71 more; short protein forms M1355del, M1540del, M1582del, M1603del, M1604del, M1610del, M1625del, M1648del.
Identifiers: ClinVar variation 3726220 (VCV003726220.2).